The following is an entry in ClinVar:

ClinVar aggregate classification (germline): Uncertain significance (1 of 4 stars; one submission).

Conditions:
Inborn genetic diseases. Identifiers: MedGen C0950123, MeSH D030342.

Allele frequency attached by ClinVar (database versions not stated): gnomAD exomes below 0.00001.
gnomAD v4.1: 2 of 1,614,176 alleles (0.00012%); highest among the groups gnomAD compares: South Asian, 0.0022%; no homozygotes.

Submission:

Ambry Genetics
Classification: Uncertain significance for Inborn genetic diseases. Last evaluated: 2022-11-15. Review status: criteria provided, single submitter. Criteria: Ambry Variant Classification Scheme 2023. Collection method: clinical testing. Allele origin: germline.
Comment: The p.D610H variant (also known as c.1828G>C), located in coding exon 12 of the EPAS1 gene, results from a G to C substitution at nucleotide position 1828. The aspartic acid at codon 610 is replaced by histidine, an amino acid with similar properties. This amino acid position is conserved. In addition, this alteration is predicted to be tolerated by in silico analysis. Since supporting evidence is limited at this time, the clinical significance of this alteration remains unclear.

NM_001430.5(EPAS1):c.1828G>C (p.Asp610His)

Gene: EPAS1 (endothelial PAS domain protein 1; plus strand). Cytogenetic location: 2p21.
Variant type: single nucleotide variant.
Coding change: c.1828G>C on transcript NM_001430.5 (MANE Select); coding-DNA position 1828, G replaced by C.
Protein change: p.Asp610His; replaces aspartic acid 610 with histidine.
Molecular consequence: missense variant.
Genome position (GRCh38, 1-based): chr2:46,380,500, G>C. VCF-style: chr2-46380500-G-C. GRCh37 (hg19) VCF-style: chr2-46607639-G-C.
Other names: short protein forms D610H.
Identifiers: ClinVar variation 2450290 (VCV002450290.2), dbSNP rs1425417808, ClinGen allele CA346704966.